The following is an entry in ClinVar:

NM_001349207.2(LPIN1):c.81+36036_81+36038del

Gene: LPIN1 (lipin 1; plus strand). Cytogenetic location: 2p25.1.
Variant type: Microsatellite.
Coding change: c.81+36036_81+36038del on transcript NM_001349207.2; bases 36036 to 36038 of the intron after coding-DNA position 81, 3 bases deleted (AAT; older notation c.81+36036_81+36038delAAT).
Molecular consequence: intron variant. On other transcripts: inframe deletion (2).
Genome position (GRCh38, 1-based): chr2:11,713,764-11,713,766, AAT deleted; deleting any 3 consecutive bases within chr2:11,713,761-11,713,766 gives the same sequence; the c. name uses the placement nearest the transcript's 3' end. VCF-style (leftmost placement, unchanged base first): chr2-11713760-CAAT-C. GRCh37 (hg19) VCF-style: chr2-11853886-CAAT-C.
Other names: c.87AAT[1], p.Ile30del (NM_001261428.3, NM_001349208.2); short protein forms I30del.
Identifiers: ClinVar variation 3772612 (VCV003772612.13).

ClinVar aggregate classification (germline): Uncertain significance (1 of 4 stars; one submission).

Submission:

CeGaT Center for Human Genetics Tuebingen
Classification: Uncertain significance. Last evaluated: 2025-02-01. Review status: criteria provided, single submitter. Criteria: CeGaT Center For Human Genetics Tuebingen Variant Classification Criteria Version 2. Collection method: clinical testing. Allele origin: germline. Affected: yes. Observed: 1 variant allele.
Comment: LPIN1: PM2, PM4:Supporting